The following is an entry in ClinVar:

ClinVar aggregate classification (germline): Uncertain significance (1 of 4 stars; one submission).

Submission:

Labcorp Genetics (formerly Invitae), Labcorp
Classification: Uncertain significance. Last evaluated: 2023-12-11. Review status: criteria provided, single submitter. Criteria: Invitae Variant Classification Sherloc (09022015). Collection method: clinical testing. Allele origin: germline.
Comment: This sequence change replaces glutamine, which is neutral and polar, with glutamic acid, which is acidic and polar, at codon 1914 of the NIN protein (p.Gln1914Glu). This variant is not present in population databases (gnomAD no frequency). This variant has not been reported in the literature in individuals affected with NIN-related conditions. ClinVar contains an entry for this variant (Variation ID: 2033195). An algorithm developed to predict the effect of missense changes on protein structure and function (PolyPhen-2) suggests that this variant is likely to be disruptive. In summary, the available evidence is currently insufficient to determine the role of this variant in disease. Therefore, it has been classified as a Variant of Uncertain Significance.

NM_020921.4(NIN):c.5740C>G (p.Gln1914Glu)

Gene: NIN (ninein; minus strand). Cytogenetic location: 14q22.1.
Variant type: single nucleotide variant.
Coding change: c.5740C>G on transcript NM_020921.4 (MANE Select); coding-DNA position 5740, C replaced by G.
Protein change: p.Gln1914Glu; replaces glutamine 1914 with glutamic acid.
Molecular consequence: missense variant.
Genome position (GRCh38, 1-based): chr14:50,738,175, G>C on the plus strand (C>G on the coding strand, the complement: NIN is on the minus strand). VCF-style: chr14-50738175-G-C. GRCh37 (hg19) VCF-style: chr14-51204893-G-C.
Other names: c.3601C>G, p.Gln1201Glu (NM_016350.5); c.5740C>G, p.Gln1914Glu (NM_182944.3, NM_182946.2); short protein forms Q1914E, Q1201E.
Identifiers: ClinVar variation 2033195 (VCV002033195.4), dbSNP rs1009619469, ClinGen allele CA389676818.